The following is an entry in ClinVar:

NM_001100.4(ACTA1):c.227G>A (p.Gly76Asp)

Gene: ACTA1 (actin alpha 1, skeletal muscle; minus strand). Cytogenetic location: 1q42.13.
Variant type: single nucleotide variant.
Coding change: c.227G>A on transcript NM_001100.4 (MANE Select); coding-DNA position 227, G replaced by A.
Protein change: p.Gly76Asp; replaces glycine 76 with aspartic acid.
Molecular consequence: missense variant.
Genome position (GRCh38, 1-based): chr1:229,432,783, C>T on the plus strand (G>A on the coding strand, the complement: ACTA1 is on the minus strand). VCF-style: chr1-229432783-C-T. GRCh37 (hg19) VCF-style: chr1-229568530-C-T.
Other names: short protein forms G76D.
Identifiers: ClinVar variation 3572955 (VCV003572955.2).

ClinVar aggregate classification (germline): Pathogenic. Review status: criteria provided, multiple submitters, no conflicts (2 of 4 stars). 2 submissions from 2 submitters: Pathogenic (2). Last evaluated 2024-09-03.

Conditions:
ACTA1-related disorder. Also called: ACTA1-related condition.
Actin accumulation myopathy (CMYO2A). Also called: CONGENITAL MYOPATHY 2A, TYPICAL, AUTOSOMAL DOMINANT; Myopathy, actin, congenital, with cores; Nemaline myopathy 3, with intranuclear rods; Nemaline myopathy type 3; Myopathy, actin, congenital, with excess of thin myofilaments. Identifiers: Orphanet 98904, MedGen C3711389, MONDO:0008070, OMIM 161800.

Submissions (2):

Greenwood Genetic Center Diagnostic Laboratories, Greenwood Genetic Center
Classification: Pathogenic for ACTA1-related disorder. Last evaluated: 2024-09-03. Review status: criteria provided, single submitter. Criteria: ACMG Guidelines, 2015. Collection method: clinical testing. Allele origin: germline. Affected: yes.
Comment: PS2, PS4_Supporting, PM2, PM6, PP2, PP3

Precision Medical Center, Wuhan Children's Hospital
Classification: Pathogenic for Actin accumulation myopathy. Review status: criteria provided, single submitter. Criteria: ACMG Guidelines, 2015. Collection method: clinical testing. Allele origin: de novo. Affected: yes.
Comment: PS2_Moderate+PM2_Supporting+PM5+PP2+PP3_Strong